The following is an entry in ClinVar:

ClinVar aggregate classification (germline): Benign/Likely benign. Review status: criteria provided, multiple submitters, no conflicts (2 of 4 stars). 4 submissions from 4 submitters: Benign (2); Likely benign (2). Last evaluated 2026-01-20.

Conditions:
Myopathy, proximal, and ophthalmoplegia (CMYO6). Also called: INCLUSION BODY MYOPATHY 3, AUTOSOMAL DOMINANT; MYOPATHY WITH CONGENITAL JOINT CONTRACTURES, OPHTHALMOPLEGIA, AND RIMMED VACUOLES; CONGENITAL MYOPATHY 6 WITH OPHTHALMOPLEGIA. Identifiers: Orphanet 363677, Orphanet 79091, MedGen C1854106, MONDO:0011577, OMIM 605637.

Allele frequency attached by ClinVar (database versions not stated): gnomAD exomes 0.00011 and 0.00019; ExAC 0.00025; ESP Exome Variant Server 0.00077; gnomAD 0.00088; TOPMed 0.00097; 1000 Genomes Project 30x 0.00125; 1000 Genomes Project 0.00140.
gnomAD v4.1: 293 of 1,609,914 alleles (0.018%); highest among the groups gnomAD compares: African/African-American, 0.33%; 1 homozygote.

Submissions (4):

Labcorp Genetics (formerly Invitae), Labcorp
Classification: Benign for Myopathy, proximal, and ophthalmoplegia. Last evaluated: 2026-01-20. Review status: criteria provided, single submitter. Criteria: Invitae Variant Classification Sherloc (09022015). Collection method: clinical testing. Allele origin: germline.

Blueprint Genetics
Classification: Likely benign. Last evaluated: 2024-09-13. Review status: criteria provided, single submitter. Criteria: ACMG Guidelines, 2015. Collection method: clinical testing. Allele origin: germline.

CeGaT Center for Human Genetics Tuebingen
Classification: Likely benign. Last evaluated: 2022-06-01. Review status: criteria provided, single submitter. Criteria: CeGaT Center For Human Genetics Tuebingen Variant Classification Criteria Version 2. Collection method: clinical testing. Allele origin: germline. Affected: yes. Observed: 1 variant allele.
Comment: MYH2: BP4

Breakthrough Genomics
Classification: Benign. Review status: criteria provided, single submitter. Criteria: ACMG Guidelines, 2015. Collection method: not provided. Allele origin: germline. Inheritance: Autosomal dominant inheritance. Affected: yes.

NM_017534.6(MYH2):c.805+8T>A

Genes: MYHAS (myosin heavy chain gene cluster antisense RNA; plus strand), MYH2 (myosin heavy chain 2; minus strand), LOC126862501 (CDK7 strongly-dependent group 2 enhancer GRCh37_chr17:10446256-10447455; plus strand). Cytogenetic location: 17p13.1.
Variant type: single nucleotide variant.
Coding change: c.805+8T>A on transcript NM_017534.6 (MANE Select); 8 bases into the intron after coding-DNA position 805, T replaced by A.
Molecular consequence: intron variant.
Genome position (GRCh38, 1-based): chr17:10,543,090, A>T on the plus strand (T>A on the coding strand, the complement: MYH2 is on the minus strand). VCF-style: chr17-10543090-A-T. GRCh37 (hg19) VCF-style: chr17-10446407-A-T.
Other names: c.805+8T>A (NM_001100112.2).
Identifiers: ClinVar variation 465952 (VCV000465952.42), dbSNP rs201549295, ClinGen allele CA8391526.